The following is an entry in ClinVar:

NM_006438.5(COLEC10):c.346+5G>A

Gene: COLEC10 (collectin subfamily member 10; plus strand). Cytogenetic location: 8q24.12.
Variant type: single nucleotide variant.
Coding change: c.346+5G>A on transcript NM_006438.5 (MANE Select); 5 bases into the intron after coding-DNA position 346, G replaced by A.
Molecular consequence: intron variant.
Genome position (GRCh38, 1-based): chr8:119,102,406, G>A. VCF-style: chr8-119102406-G-A. GRCh37 (hg19) VCF-style: chr8-120114645-G-A.
Other names: c.139+5G>A (NM_001324095.2).
Identifiers: ClinVar variation 773765 (VCV000773765.6), dbSNP rs73327239, ClinGen allele CA4855166.
Genomic context (GRCh38, chr8:119,102,406, plus strand): 5'-AGGTGACAAAGGGGAAAAAGGTTTGCTTGGAATACCTGGAGAAAAAGGCAAAGCAGGTAC[G>A]ATATGTTCAATGTTCTCTTTGATTTCTAGCATGATTCCAAGTTTATTCATCTCAAAAATA-3'

ClinVar aggregate classification (germline): Benign. Review status: criteria provided, multiple submitters, no conflicts (2 of 4 stars). 3 submissions from 3 submitters: Benign (3). Last evaluated 2025-08-14.

Conditions:
COLEC10-related disorder. Also called: COLEC10-related condition.

Allele frequency attached by ClinVar (database versions not stated): gnomAD exomes 0.00255 and 0.00729; ExAC 0.00904; gnomAD 0.02560 and 0.02721; TOPMed 0.02878; ESP Exome Variant Server 0.02945; 1000 Genomes Project 0.03115; 1000 Genomes Project 30x 0.03232.
gnomAD v4.1: 7,779 of 1,605,140 alleles (0.48%); highest among the groups gnomAD compares: African/African-American, 8.9%; 318 homozygotes.

Submissions (3):

PreventionGenetics, part of Exact Sciences
Classification: Benign for COLEC10-related condition. Last evaluated: 2025-08-14. Review status: criteria provided, single submitter. Criteria: ACMG Guidelines, 2015. Collection method: clinical testing. Allele origin: germline.
Comment: This variant is classified as benign based on ACMG/AMP sequence variant interpretation guidelines (Richards et al. 2015 PMID: 25741868, with internal and published modifications).

Labcorp Genetics (formerly Invitae), Labcorp
Classification: Benign. Last evaluated: 2019-12-31. Review status: criteria provided, single submitter. Criteria: Invitae Variant Classification Sherloc (09022015). Collection method: clinical testing. Allele origin: germline.

Breakthrough Genomics
Classification: Benign. Review status: criteria provided, single submitter. Criteria: ACMG Guidelines, 2015. Collection method: not provided. Allele origin: germline. Inheritance: Autosomal recessive inheritance. Affected: yes.